The following is an entry in ClinVar:

ClinVar aggregate classification (germline): Uncertain significance (1 of 4 stars; one submission).

Conditions:
Nephronophthisis 9 (NPHP9). Identifiers: Orphanet 655, MedGen C3151188, MONDO:0013444, OMIM 613824.

Allele frequency attached by ClinVar (database versions not stated): 1000 Genomes Project 30x 0.00016.

Submission:

Labcorp Genetics (formerly Invitae), Labcorp
Classification: Uncertain significance for Nephronophthisis 9. Last evaluated: 2025-07-27. Review status: criteria provided, single submitter. Criteria: Invitae Variant Classification Sherloc (09022015). Collection method: clinical testing. Allele origin: germline.
Comment: This sequence change replaces arginine, which is basic and polar, with histidine, which is basic and polar, at codon 140 of the NEK8 protein (p.Arg140His). This variant is present in population databases (rs141599330, gnomAD 0.006%). This variant has not been reported in the literature in individuals affected with NEK8-related conditions. ClinVar contains an entry for this variant (Variation ID: 581075). An algorithm developed to predict the effect of missense changes on protein structure and function (PolyPhen-2) suggests that this variant is likely to be tolerated. In summary, the available evidence is currently insufficient to determine the role of this variant in disease. Therefore, it has been classified as a Variant of Uncertain Significance.

NM_178170.3(NEK8):c.419G>A (p.Arg140His)

Gene: NEK8 (NIMA related kinase 8; plus strand). Cytogenetic location: 17q11.2.
Variant type: single nucleotide variant.
Coding change: c.419G>A on transcript NM_178170.3 (MANE Select); coding-DNA position 419, G replaced by A.
Protein change: p.Arg140His; replaces arginine 140 with histidine.
Molecular consequence: missense variant.
Genome position (GRCh38, 1-based): chr17:28,734,937, G>A. VCF-style: chr17-28734937-G-A. GRCh37 (hg19) VCF-style: chr17-27061955-G-A.
Other names: short protein forms R140H.
Identifiers: ClinVar variation 581075 (VCV000581075.4), dbSNP rs141599330, ClinGen allele CA8467079.